The following is an entry in ClinVar:

NM_001204.7(BMPR2):c.2357C>A (p.Thr786Asn)

Gene: BMPR2 (bone morphogenetic protein receptor type 2; plus strand). Cytogenetic location: 2q33.2.
Variant type: single nucleotide variant.
Coding change: c.2357C>A on transcript NM_001204.7 (MANE Select); coding-DNA position 2357, C replaced by A.
Protein change: p.Thr786Asn; replaces threonine 786 with asparagine.
Molecular consequence: missense variant.
Genome position (GRCh38, 1-based): chr2:202,556,022, C>A. VCF-style: chr2-202556022-C-A. GRCh37 (hg19) VCF-style: chr2-203420745-C-A.
Other names: short protein forms T786N.
Identifiers: ClinVar variation 4867655 (VCV004867655.1).

ClinVar aggregate classification (germline): Uncertain significance (1 of 4 stars; one submission).

Conditions:
Inborn genetic diseases. Identifiers: MedGen C0950123, MeSH D030342.

Submission:

Ambry Genetics
Classification: Uncertain significance for Inborn genetic diseases. Last evaluated: 2026-06-06. Review status: criteria provided, single submitter. Criteria: Ambry Variant Classification Scheme 2023. Collection method: clinical testing. Allele origin: germline.
Comment: The p.T786N variant (also known as c.2357C>A), located in coding exon 12 of the BMPR2 gene, results from a C to A substitution at nucleotide position 2357. The threonine at codon 786 is replaced by asparagine, an amino acid with similar properties. This amino acid position is conserved. In addition, the in silico prediction for this alteration is inconclusive. Based on the available evidence, the clinical significance of this variant remains unclear.